The following is an entry in ClinVar:

NC_000009.11:g.(?_133352248)_(133352358_?)del

Gene: ASS1 (argininosuccinate synthase 1; plus strand). Cytogenetic location: 9q34.11.
Variant type: Deletion.
Identifiers: ClinVar variation 1454396 (VCV001454396.11).

ClinVar aggregate classification (germline): Pathogenic (1 of 4 stars; one submission).

Conditions:
Citrullinemia. Identifiers: Orphanet 187, MedGen C0175683, MONDO:0015991.

Submission:

Labcorp Genetics (formerly Invitae), Labcorp
Classification: Pathogenic for Citrullinemia. Last evaluated: 2020-12-04. Review status: criteria provided, single submitter. Criteria: Invitae Variant Classification Sherloc (09022015). Collection method: clinical testing. Allele origin: germline.
Comment: For these reasons, this variant has been classified as Pathogenic. This variant has not been reported in the literature in individuals with ASS1-related conditions. This variant is a gross deletion of the genomic region encompassing exon(s) 10 of the ASS1 gene. This deletion is out-of-frame, and is expected to create a premature translational stop signal and result in an absent or disrupted protein product. Loss-of-function variants in ASS1 are known to be pathogenic (PMID: 18473344, 19006241).

Literature cited by the submitters: PubMed 18473344; PubMed 19006241.